The following continues an entry in ClinVar:

NM_016042.4(EXOSC3):c.395A>C (p.Asp132Ala)

Gene: EXOSC3. ClinVar aggregate classification (germline): Pathogenic. Pathogenic (34).

Submissions 34 to 43 of 43:

Lifecell International Pvt. Ltd
Classification: Pathogenic for Pontocerebellar hypoplasia type 1B. Review status: criteria provided, single submitter. Criteria: ACMG Guidelines, 2015. Collection method: clinical testing. Allele origin: germline. Inheritance: Autosomal recessive inheritance. Affected: yes. Observed: 1 homozygote.
Comment: A Homozygote Missense variant c.395A>C in Exon 2 of the EXOSC3 gene that results in the amino acid substitution p.Asp132Ala was identified. The observed variant has a minor allele frequency of 0.00041/0.00041% in gnomAD exomes and genomes, respectively. The severity of the impact of this variant on the protein is medium, based on the effect of the protein and REVEL score. Rare Exome Variant Ensemble Learner (REVEL) is an ensembl method for predicting the pathogenicity of missense variants based on a combination of scores from 13 individual tools: MutPred, FATHMM v2.3, VEST 3.0, PolyPhen-2, SIFT, PROVEAN, MutationAssessor, MutationTaster, LRT, GERP++, SiPhy, phyloP, and phastCons. The REVEL score for an individual missense variant can range from 0 to 1, with higher scores reflecting greater likelihood that the variant is disease-causing. The variant has been reported to ClinVar as Pathogenic with a status of (2 stars) criteria provided, multiple submitters, no conflicts (Variation ID 31688 as of 2022-12-24). The c.395A>C, p.Asp132Ala missense variant identified in the EXOSC3 gene has been reported previously in multiple unrelated individuals with pontocerebellar hypoplasia type 1 (Wan, Jijun et al., 2012). Functionally, the variant causes dysfunctional exosome complex (Schottmann, Gudrun et al., 2017). Based on the above evidence this variant has been classified as Pathogenic according to the ACMG guidelines.

PreventionGenetics, part of Exact Sciences
Classification: Pathogenic for EXOSC3-related condition. Last evaluated: 2024-04-20. Review status: no assertion criteria provided. Collection method: clinical testing. Allele origin: germline. Not counted in ClinVar's aggregate classification.
Comment: The EXOSC3 c.395A>C variant is predicted to result in the amino acid substitution p.Asp132Ala. This variant has been reported as causative for pontocerebellar hypoplasia in both the homozygous and compound heterozygous states (Wan et al. 2012. PubMed ID: 22544365; Eggens et al. 2014. PubMed ID: 24524299; Fasken et al. 2017. PubMed ID: 27777260). This variant is reported in 0.073% of alleles in individuals of European (Non-Finnish) descent in gnomAD. This variant is interpreted as pathogenic.

Solve-RD Consortium
Classification: Likely pathogenic for Pontocerebellar hypoplasia type 1B. Last evaluated: 2022-06-01. Review status: no assertion criteria provided. Collection method: provider interpretation. Allele origin: inherited. Affected: yes. Not counted in ClinVar's aggregate classification.
Comment: Variant confirmed as disease-causing by referring clinical team

Variant identified during reanalysis of unsolved cases by the Solve-RD project. The Solve-RD project has received funding from the European Union’s Horizon 2020 research and innovation programme under grant agreement No 779257.

Division of Human Genetics, Children's Hospital of Philadelphia
Classification: Pathogenic for Pontocerebellar hypoplasia type 1B. Last evaluated: 2016-04-05. Review status: no assertion criteria provided. Collection method: research. Allele origin: germline. Affected: yes. Study: CSER-PediSeq. Not counted in ClinVar's aggregate classification.

GeneReviews
Classification: Pathogenic for Pontocerebellar hypoplasia, type 1b. Last evaluated: 2014-04-22. Review status: no assertion criteria provided. Collection method: literature only. Allele origin: germline. Affected: yes. Not counted in ClinVar's aggregate classification.

OMIM
Classification: Pathogenic for PONTOCEREBELLAR HYPOPLASIA, TYPE 1B. Last evaluated: 2013-11-01. Review status: no assertion criteria provided. Collection method: literature only. Allele origin: germline. Not counted in ClinVar's aggregate classification.

Clinical Genetics DNA and cytogenetics Diagnostics Lab, Erasmus MC, Erasmus Medical Center
Classification: Pathogenic. Review status: no assertion criteria provided. Collection method: clinical testing. Allele origin: germline. Affected: yes. Study: VKGL Data-share Consensus. Not counted in ClinVar's aggregate classification.

Genome Diagnostics Laboratory, University Medical Center Utrecht
Classification: Pathogenic. Review status: no assertion criteria provided. Collection method: clinical testing. Allele origin: germline. Affected: yes. Study: VKGL Data-share Consensus. Not counted in ClinVar's aggregate classification.

Hong-Tao Li Lab, Institute of Brain Science and Brain-inspired Research, Shandong First Medical University & Shandong Academy of Medical Sciences China
Classification: Pathogenic for Pontocerebellar hypoplasia type 1B. Review status: no assertion criteria provided. Collection method: research. Allele origin: germline. Inheritance: Autosomal recessive inheritance. Affected: yes. Observed: 1 variant allele, 1 homozygote. Not counted in ClinVar's aggregate classification.
Comment: Observed in affected individuals from a Pakistani neurodevelopmental-disorder research cohort of 263 individuals. Classification assigned using the ACMG/AMP framework. Population-frequency evidence: gnomAD AF 0.0004067.

Joint Genome Diagnostic Labs from Nijmegen and Maastricht, Radboudumc and MUMC+
Classification: Pathogenic. Review status: no assertion criteria provided. Collection method: clinical testing. Allele origin: germline. Affected: yes. Study: VKGL Data-share Consensus. Not counted in ClinVar's aggregate classification.

Literature cited by the submitters: PubMed 22544365 (cited by 12 submitters); PubMed 23975261 (cited by 6 submitters); PubMed 24524299 (cited by 9 submitters); PubMed 25533962 (cited by Labcorp Genetics (formerly Invitae), Labcorp); PubMed 27777260 (cited by Labcorp Genetics (formerly Invitae), Labcorp); PubMed 28687512 (cited by 3 submitters); PubMed 34582790 (cited by 3billion); PubMed 30986545 (cited by Mayo Clinic Laboratories, Mayo Clinic and Dasa); PubMed 37337484 (cited by Mayo Clinic Laboratories, Mayo Clinic); PubMed 38347586 (cited by Mayo Clinic Laboratories, Mayo Clinic); PubMed 23564332 (cited by 3 submitters); PubMed 29656927 (cited by 3 submitters); PubMed 27146152 (cited by Dasa); PubMed 24970098 (cited by Dasa); PubMed 23883322 (cited by Dasa); PubMed 29186371 (cited by Dasa); PubMed 29444210 (cited by Dasa); PubMed 25149867 (cited by New York Genome Center); PubMed 39825153 (cited by Solve-RD Consortium).